The following is an entry in ClinVar:

NM_004100.5(EYA4):c.920C>A (p.Thr307Asn)

Gene: EYA4 (EYA transcriptional coactivator and phosphatase 4; plus strand). Cytogenetic location: 6q23.2.
Variant type: single nucleotide variant.
Coding change: c.920C>A on transcript NM_004100.5 (MANE Select); coding-DNA position 920, C replaced by A.
Protein change: p.Thr307Asn; replaces threonine 307 with asparagine.
Molecular consequence: missense variant.
Genome position (GRCh38, 1-based): chr6:133,468,681, C>A. VCF-style: chr6-133468681-C-A. GRCh37 (hg19) VCF-style: chr6-133789819-C-A.
Other names: c.758C>A, p.Thr253Asn (NM_001301012.2, NM_001370459.1); c.920C>A, p.Thr307Asn (NM_001301013.2, NM_172105.4); c.851C>A, p.Thr284Asn (NM_001370458.1, NM_172103.4); short protein forms T253N, T284N, T307N.
Identifiers: ClinVar variation 2192157 (VCV002192157.4), dbSNP rs1795058792, ClinGen allele CA365703770.

ClinVar aggregate classification (germline): Uncertain significance (1 of 4 stars; one submission).

Conditions:
Dilated cardiomyopathy 1J (CMD1J). Also called: CARDIOMYOPATHY, DILATED, WITH SENSORINEURAL HEARING LOSS, AUTOSOMAL DOMINANT. Identifiers: Orphanet 217622, MedGen C1854368, MONDO:0011541, OMIM 605362.

Allele frequency attached by ClinVar (database versions not stated): TOPMed below 0.00001.

Submission:

Labcorp Genetics (formerly Invitae), Labcorp
Classification: Uncertain significance for Dilated cardiomyopathy 1J. Last evaluated: 2024-12-12. Review status: criteria provided, single submitter. Criteria: Invitae Variant Classification Sherloc (09022015). Collection method: clinical testing. Allele origin: germline.
Comment: This sequence change replaces threonine, which is neutral and polar, with asparagine, which is neutral and polar, at codon 307 of the EYA4 protein (p.Thr307Asn). This variant is not present in population databases (gnomAD no frequency). This variant has not been reported in the literature in individuals affected with EYA4-related conditions. ClinVar contains an entry for this variant (Variation ID: 2192157). An algorithm developed to predict the effect of missense changes on protein structure and function (PolyPhen-2) suggests that this variant is likely to be tolerated. In summary, the available evidence is currently insufficient to determine the role of this variant in disease. Therefore, it has been classified as a Variant of Uncertain Significance.